The following is an entry in ClinVar:

NM_001852.4(COL9A2):c.209A>G (p.Lys70Arg)

Gene: COL9A2 (collagen type IX alpha 2 chain; minus strand). Cytogenetic location: 1p34.2.
Variant type: single nucleotide variant.
Coding change: c.209A>G on transcript NM_001852.4 (MANE Select); coding-DNA position 209, A replaced by G.
Protein change: p.Lys70Arg; replaces lysine 70 with arginine.
Molecular consequence: missense variant.
Genome position (GRCh38, 1-based): chr1:40,314,245, T>C on the plus strand (A>G on the coding strand, the complement: COL9A2 is on the minus strand). VCF-style: chr1-40314245-T-C. GRCh37 (hg19) VCF-style: chr1-40779917-T-C.
Other names: c.209A>G (NM_001852.3); short protein forms K70R.
Identifiers: ClinVar variation 3698752 (VCV003698752.3).

ClinVar aggregate classification (germline): Uncertain significance. Review status: criteria provided, multiple submitters, no conflicts (2 of 4 stars). 2 submissions from 2 submitters: Uncertain significance (2). Last evaluated 2025-08-06.

Conditions:
Inborn genetic diseases. Identifiers: MedGen C0950123, MeSH D030342.

gnomAD v4.1: 1 of 1,614,106 alleles (0.000062%); highest among the groups gnomAD compares: Non-Finnish European, 0.000085%; no homozygotes.

Submissions (2):

Ambry Genetics
Classification: Uncertain significance for Inborn genetic diseases. Last evaluated: 2025-08-06. Review status: criteria provided, single submitter. Criteria: Ambry Variant Classification Scheme 2023. Collection method: clinical testing. Allele origin: germline.

Labcorp Genetics (formerly Invitae), Labcorp
Classification: Uncertain significance. Last evaluated: 2024-06-20. Review status: criteria provided, single submitter. Criteria: Invitae Variant Classification Sherloc (09022015). Collection method: clinical testing. Allele origin: germline.
Comment: This sequence change replaces lysine, which is basic and polar, with arginine, which is basic and polar, at codon 70 of the COL9A2 protein (p.Lys70Arg). This variant is not present in population databases (gnomAD no frequency). This variant has not been reported in the literature in individuals affected with COL9A2-related conditions. Advanced modeling of protein sequence and biophysical properties (such as structural, functional, and spatial information, amino acid conservation, physicochemical variation, residue mobility, and thermodynamic stability) performed at Invitae indicates that this missense variant is not expected to disrupt COL9A2 protein function with a negative predictive value of 95%. In summary, the available evidence is currently insufficient to determine the role of this variant in disease. Therefore, it has been classified as a Variant of Uncertain Significance.